The following is an entry in ClinVar:

Conditions:
Breast-ovarian cancer, familial, susceptibility to, 1 (BROVCA1). Also called: BRCA1 Hereditary Breast and Ovarian Cancer; OVARIAN CANCER, SUSCEPTIBILITY TO. Identifiers: Orphanet 145, MedGen C2676676, MONDO:0011450, OMIM 604370. Disease mechanism: loss of function.

Submission:

Brotman Baty Institute, University of Washington
No classification provided (evidence only). Condition: Breast-ovarian cancer, familial 1. Review status: no classification provided. Collection method: in vitro. Allele origin: not applicable. Functional consequence: functionally_normal.
ClinVar note: "not provided" was previously submitted as the classification for the variant. However, the classification appeared to be based only on an observation of functional data so it was converted to no classification on 2025-07-30.

NM_007294.4(BRCA1):c.5407-8G>C

Gene: BRCA1 (BRCA1 DNA repair associated; minus strand). Cytogenetic location: 17q21.31.
Variant type: single nucleotide variant.
Coding change: c.5407-8G>C on transcript NM_007294.4 (MANE Select); 8 bases into the intron before coding-DNA position 5407, G replaced by C.
Molecular consequence: intron variant.
Genome position (GRCh38, 1-based): chr17:43,047,711, C>G on the plus strand (G>C on the coding strand, the complement: BRCA1 is on the minus strand). VCF-style: chr17-43047711-C-G. GRCh37 (hg19) VCF-style: chr17-41199728-C-G.
Other names: c.1954-8G>C (NM_001408458.1, NM_001408461.1, NM_001408464.1 and 7 more transcripts); c.4516-8G>C (NM_001407967.1); c.5026-8G>C (NM_001407959.1); c.5140-8G>C (NM_001407931.1, NM_001407932.1, NM_001407928.1 and 4 more transcripts); c.5263-8G>C (NM_001407747.1, NM_001407745.1, NM_001407737.1 and 18 more transcripts); c.5023-8G>C (NM_001407962.1, NM_001407960.1); c.1594-8G>C (NM_001408512.1); c.1717-8G>C (NM_001408510.1); and 83 more.
Identifiers: ClinVar variation 868454 (VCV000868454.3), dbSNP rs1597799650, ClinGen allele CA916080788.